The following is an entry in ClinVar:

ClinVar aggregate classification (germline): Pathogenic/Likely pathogenic. Review status: criteria provided, multiple submitters, no conflicts (2 of 4 stars). 2 submissions from 2 submitters: Pathogenic (1); Likely pathogenic (1). Last evaluated 2026-04-28.

Conditions:
Hereditary cancer-predisposing syndrome. Also called: Neoplastic Syndromes, Hereditary; Tumor predisposition; Hereditary neoplastic syndrome; Hereditary Cancer Syndrome. Identifiers: Orphanet 140162, MedGen C0027672, MeSH D009386, MONDO:0015356.
Birt-Hogg-Dube syndrome 1 (BHD1). Also called: FIBROFOLLICULOMAS WITH TRICHODISCOMAS AND ACROCHORDONS. Identifiers: Orphanet 122, MedGen CN375946, MONDO:0800445, OMIM 135150.

Submissions (2):

Ambry Genetics
Classification: Pathogenic for Hereditary cancer-predisposing syndrome. Last evaluated: 2026-04-28. Review status: criteria provided, single submitter. Criteria: Ambry Variant Classification Scheme 2023. Collection method: clinical testing. Allele origin: germline.
Comment: The c.346delC pathogenic mutation, located in coding exon 2 of the FLCN gene, results from a deletion of one nucleotide at nucleotide position 346, causing a translational frameshift with a predicted alternate stop codon (p.Q116Sfs*14).This variant is considered to be rare based on population cohorts in the Genome Aggregation Database (gnomAD). This alteration is expected to result in loss of function by premature protein truncation or nonsense-mediated mRNA decay. As such, this alteration is interpreted as a disease-causing mutation.

Department of Medical Genetics, Hatay Education and Research Hospital
Classification: Likely pathogenic for Birt-Hogg-Dube syndrome 1. Last evaluated: 2026-04-01. Review status: criteria provided, single submitter. Criteria: ACMG Guidelines, 2015. Collection method: clinical testing. Allele origin: germline. Affected: yes. Observed: 1 variant allele.
Comment: The c.346del (p.Gln116fs) variant in the FLCN gene (NM_144997.7) causes a frameshift leading to a premature termination codon at position 116. This loss of function variant is predicted to result in nonsense mediated mRNA decay or a severely truncated, nonfunctional protein product (PVS1). The variant is extremely rare or absent in large population control databases such as gnoMAD (PM2_Supporting). Based on the ACMG/AMP guidelines (PVS1 + PM2_Supporting) and consistent clinical findings, this variant is classified as Likely Pathogenic for Birt-Hogg-Dubé syndrome

NM_144997.7(FLCN):c.346del (p.Gln116fs)

Gene: FLCN (folliculin; minus strand). Cytogenetic location: 17p11.2.
Variant type: Deletion.
Coding change: c.346del on transcript NM_144997.7 (MANE Select); coding-DNA position 346, one base deleted (C; older notation c.346delC).
Protein change: p.Gln116fs; shifts the reading frame from glutamine 116.
Molecular consequence: frameshift variant.
Genome position (GRCh38, 1-based): chr17:17,226,226, G deleted on the plus strand (C on the coding strand, the reverse complement: FLCN is on the minus strand); the first of 5 consecutive G bases (chr17:17,226,226-17,226,230); deleting any one gives the same sequence. VCF-style (leftmost placement, unchanged base first): chr17-17226225-TG-T. GRCh37 (hg19) VCF-style: chr17-17129539-TG-T.
Other names: c.346delC (NM_144997.5); c.346del, p.Gln116fs (NM_001353229.2, NM_001353230.2, NM_001353231.2 and 1 more transcripts); short protein forms Q116fs.
Identifiers: ClinVar variation 4871385 (VCV004871385.2).